The following is an entry in ClinVar:

NM_020937.4(FANCM):c.1370T>A (p.Val457Glu)

Gene: FANCM (FA complementation group M; plus strand). Cytogenetic location: 14q21.2.
Variant type: single nucleotide variant.
Coding change: c.1370T>A on transcript NM_020937.4 (MANE Select); coding-DNA position 1370, T replaced by A.
Protein change: p.Val457Glu; replaces valine 457 with glutamic acid.
Molecular consequence: missense variant.
Genome position (GRCh38, 1-based): chr14:45,155,433, T>A. VCF-style: chr14-45155433-T-A. GRCh37 (hg19) VCF-style: chr14-45624636-T-A.
Other names: c.1370T>A, p.Val457Glu (NM_001308134.2); c.1292T>A, p.Val431Glu (NM_001308133.2); short protein forms V431E, V457E.
Identifiers: ClinVar variation 5021487 (VCV005021487.1).

ClinVar aggregate classification (germline): Uncertain significance (1 of 4 stars; one submission).

Conditions:
Inborn genetic diseases. Identifiers: MedGen C0950123, MeSH D030342.

Submission:

Ambry Genetics
Classification: Uncertain significance for Inborn genetic diseases. Last evaluated: 2026-08-10. Review status: criteria provided, single submitter. Criteria: Ambry Variant Classification Scheme 2023. Collection method: clinical testing. Allele origin: germline.
Comment: The p.V457E variant (also known as c.1370T>A), located in coding exon 8 of the FANCM gene, results from a T to A substitution at nucleotide position 1370. The valine at codon 457 is replaced by glutamic acid, an amino acid with dissimilar properties. This amino acid position is conserved. In addition, the in silico prediction for this alteration is inconclusive. Based on the available evidence, the clinical significance of this variant remains unclear.